The following is an entry in ClinVar:

NM_017570.5(OPLAH):c.1258C>T (p.Pro420Ser)

Gene: OPLAH (5-oxoprolinase, ATP-hydrolysing; minus strand). Cytogenetic location: 8q24.3.
Variant type: single nucleotide variant.
Coding change: c.1258C>T on transcript NM_017570.5 (MANE Select); coding-DNA position 1258, C replaced by T.
Protein change: p.Pro420Ser; replaces proline 420 with serine.
Molecular consequence: missense variant.
Genome position (GRCh38, 1-based): chr8:144,057,612, G>A on the plus strand (C>T on the coding strand, the complement: OPLAH is on the minus strand). VCF-style: chr8-144057612-G-A. GRCh37 (hg19) VCF-style: chr8-145112515-G-A.
Other names: short protein forms P420S.
Identifiers: ClinVar variation 580604 (VCV000580604.7), dbSNP rs1564292461, ClinGen allele CA372563517.
Genomic context (GRCh38, chr8:144,057,612, plus strand): 5'-TGGTCAGGAAGCTGTTGACCTCAGTGGCCACAGCCTCCAGGGCTTTGCGGGAGGCCTCAG[G>A]GGAAAGTGGTTGGTTCTCTCCCGGCCCAAAAATGCAGGGGAAGGAGGCAGGCAGCAGGCG-3'
Protein context (NP_060040.1, residues 410-430): FGPGENQPLS[Pro420Ser]EASRKALEAV

ClinVar aggregate classification (germline): Uncertain significance (1 of 4 stars; one submission).

Conditions:
5-Oxoprolinase deficiency (OPLAHD). Also called: 5-OXOPROLINURIA DUE TO 5-OXOPROLINASE DEFICIENCY. Identifiers: Orphanet 33572, MedGen C0268525, MONDO:0009825, OMIM 260005, HP:0040142.

gnomAD v4.1: 5 of 1,593,866 alleles (0.00031%); highest among the groups gnomAD compares: East Asian, 0.0022%; no homozygotes.

Submission:

Labcorp Genetics (formerly Invitae), Labcorp
Classification: Uncertain significance for 5-Oxoprolinase deficiency. Last evaluated: 2022-06-04. Review status: criteria provided, single submitter. Criteria: Invitae Variant Classification Sherloc (09022015). Collection method: clinical testing. Allele origin: germline.
Comment: Algorithms developed to predict the effect of missense changes on protein structure and function output the following: SIFT: "Not Available"; PolyPhen-2: "Benign"; Align-GVGD: "Not Available". The serine amino acid residue is found in multiple mammalian species, which suggests that this missense change does not adversely affect protein function. In summary, the available evidence is currently insufficient to determine the role of this variant in disease. Therefore, it has been classified as a Variant of Uncertain Significance. ClinVar contains an entry for this variant (Variation ID: 580604). This variant has not been reported in the literature in individuals affected with OPLAH-related conditions. This variant is not present in population databases (gnomAD no frequency). This sequence change replaces proline, which is neutral and non-polar, with serine, which is neutral and polar, at codon 420 of the OPLAH protein (p.Pro420Ser).